The following is an entry in ClinVar:

ClinVar aggregate classification (germline): Uncertain significance. Review status: criteria provided, multiple submitters, no conflicts (2 of 4 stars). 4 submissions from 4 submitters: Uncertain significance (3). 1 of the submissions does not count toward it. Last evaluated 2022-10-26.

Conditions:
ABHD12-related disorder. Also called: ABHD12-related condition.
Inborn genetic diseases. Identifiers: MedGen C0950123, MeSH D030342.

Allele frequency attached by ClinVar (database versions not stated): gnomAD 0.00001; gnomAD exomes 0.00001 and 0.00003; ExAC 0.00002; TOPMed 0.00002.
gnomAD v4.1: 39 of 1,613,998 alleles (0.0024%); highest among the groups gnomAD compares: Non-Finnish European, 0.0033%; no homozygotes.

Submissions (4):

Blueprint Genetics
Classification: Uncertain significance. Last evaluated: 2022-10-26. Review status: criteria provided, single submitter. Criteria: ACMG Guidelines, 2015. Collection method: clinical testing. Allele origin: germline.

GeneDx
Classification: Uncertain significance. Last evaluated: 2022-05-27. Review status: criteria provided, single submitter. Criteria: GeneDx Variant Classification Process June 2021. Collection method: clinical testing. Allele origin: germline. Affected: yes.
Comment: Not observed at significant frequency in large population cohorts (gnomAD); In silico analysis supports that this missense variant has a deleterious effect on protein structure/function; Has not been previously published as pathogenic or benign to our knowledge

Ambry Genetics
Classification: Uncertain significance for Inborn genetic diseases. Last evaluated: 2021-08-02. Review status: criteria provided, single submitter. Criteria: Ambry Variant Classification Scheme 2023. Collection method: clinical testing. Allele origin: germline.

PreventionGenetics, part of Exact Sciences
Classification: Uncertain significance for ABHD12-related condition. Last evaluated: 2024-06-28. Review status: no assertion criteria provided. Collection method: clinical testing. Allele origin: germline. Not counted in ClinVar's aggregate classification.
Comment: The ABHD12 c.745A>G variant is predicted to result in the amino acid substitution p.Thr249Ala. To our knowledge, this variant has not been reported in the literature. This variant is reported in 0.0026% of alleles in individuals of European (Non-Finnish) descent in gnomAD. At this time, the clinical significance of this variant is uncertain due to the absence of conclusive functional and genetic evidence.

NM_001042472.3(ABHD12):c.745A>G (p.Thr249Ala)

Genes: ABHD12 (abhydrolase domain containing 12, lysophospholipase; minus strand), LOC126863008 (CDK7 strongly-dependent group 2 enhancer GRCh37_chr20:25289826-25291025; plus strand). Cytogenetic location: 20p11.21.
Variant type: single nucleotide variant.
Coding change: c.745A>G on transcript NM_001042472.3 (MANE Select); coding-DNA position 745, A replaced by G.
Protein change: p.Thr249Ala; replaces threonine 249 with alanine.
Molecular consequence: missense variant.
Genome position (GRCh38, 1-based): chr20:25,309,450, T>C on the plus strand (A>G on the coding strand, the complement: ABHD12 is on the minus strand). VCF-style: chr20-25309450-T-C. GRCh37 (hg19) VCF-style: chr20-25290086-T-C.
Other names: c.745A>G, p.Thr249Ala (NM_015600.5); short protein forms T249A.
Identifiers: ClinVar variation 1687644 (VCV001687644.8), dbSNP rs746860735, ClinGen allele CA9796029.